The following is an entry in ClinVar:

ClinVar aggregate classification (germline): Uncertain significance (1 of 4 stars; one submission).

Allele frequency attached by ClinVar (database versions not stated): gnomAD 0.00001; TOPMed 0.00002.
gnomAD v4.1: 13 of 1,602,944 alleles (0.00081%); highest among the groups gnomAD compares: Non-Finnish European, 0.0011%; no homozygotes.

Submission:

Center for Pediatric Genomic Medicine, Children's Mercy Hospital and Clinics
Classification: Uncertain significance. Last evaluated: 2016-11-08. Review status: criteria provided, single submitter. Criteria: ACMG Guidelines, 2015. Collection method: clinical testing. Allele origin: germline.
ClinVar note: Converted during submission from Uncertain Significance to Uncertain significance.

NM_000055.4(BCHE):c.1685-8T>G

Gene: BCHE (butyrylcholinesterase; minus strand). Cytogenetic location: 3q26.1.
Variant type: single nucleotide variant.
Coding change: c.1685-8T>G on transcript NM_000055.4 (MANE Select); 8 bases into the intron before coding-DNA position 1685, T replaced by G.
Molecular consequence: intron variant.
Genome position (GRCh38, 1-based): chr3:165,773,514, A>C on the plus strand (T>G on the coding strand, the complement: BCHE is on the minus strand). VCF-style: chr3-165773514-A-C. GRCh37 (hg19) VCF-style: chr3-165491302-A-C.
Identifiers: ClinVar variation 376785 (VCV000376785.3), dbSNP rs1004662085, ClinGen allele CA16603166.